The following is an entry in ClinVar:

ClinVar aggregate classification (germline): Conflicting classifications of pathogenicity. Review status: criteria provided, conflicting classifications (1 of 4 stars). 3 submissions from 3 submitters: Uncertain significance (2); Likely benign (1). Last evaluated 2025-07-02.

Conditions:
Gorlin syndrome. Also called: Nevoid Basal Cell Carcinoma Syndrome; Basal cell nevus syndrome. Identifiers: Orphanet 377, MedGen C0004779, MONDO:0007187.
Hereditary cancer-predisposing syndrome. Also called: Hereditary neoplastic syndrome; Neoplastic Syndromes, Hereditary; Tumor predisposition; Hereditary Cancer Syndrome. Identifiers: Orphanet 140162, MedGen C0027672, MeSH D009386, MONDO:0015356.

Allele frequency attached by ClinVar (database versions not stated): gnomAD exomes below 0.00001; ExAC 0.00001.
gnomAD v4.1: 12 of 1,614,124 alleles (0.00074%); highest among the groups gnomAD compares: Non-Finnish European, 0.001%; no homozygotes.

Submissions (3):

Labcorp Genetics (formerly Invitae), Labcorp
Classification: Likely benign for Gorlin syndrome. Last evaluated: 2025-07-02. Review status: criteria provided, single submitter. Criteria: Invitae Variant Classification Sherloc (09022015). Collection method: clinical testing. Allele origin: germline.

Ambry Genetics
Classification: Uncertain significance for Hereditary cancer-predisposing syndrome. Last evaluated: 2025-04-24. Review status: criteria provided, single submitter. Criteria: Ambry Variant Classification Scheme 2023. Collection method: clinical testing. Allele origin: germline.
Comment: The p.S701I variant (also known as c.2102G>T), located in coding exon 14 of the PTCH1 gene, results from a G to T substitution at nucleotide position 2102. The serine at codon 701 is replaced by isoleucine, an amino acid with dissimilar properties. This amino acid position is highly conserved in available vertebrate species. In addition, this alteration is predicted to be tolerated by in silico analysis. Since supporting evidence is limited at this time, the clinical significance of this alteration remains unclear.

GeneDx
Classification: Uncertain significance. Last evaluated: 2023-11-21. Review status: criteria provided, single submitter. Criteria: GeneDx Variant Classification Process June 2021. Collection method: clinical testing. Allele origin: germline. Affected: yes.
Comment: Not observed at significant frequency in large population cohorts (gnomAD); In silico analysis supports that this missense variant does not alter protein structure/function; Has not been previously published as pathogenic or benign to our knowledge; This variant is associated with the following publications: (PMID: 11331587)

NM_000264.5(PTCH1):c.2102G>T (p.Ser701Ile)

Genes: PTCH1 (patched 1; minus strand), LOC100507346 (uncharacterized LOC100507346; plus strand). Cytogenetic location: 9q22.32.
Variant type: single nucleotide variant.
Coding change: c.2102G>T on transcript NM_000264.5 (MANE Select); coding-DNA position 2102, G replaced by T.
Protein change: p.Ser701Ile; replaces serine 701 with isoleucine.
Molecular consequence: missense variant. On other transcripts: non-coding transcript variant (2).
Genome position (GRCh38, 1-based): chr9:95,468,899, C>A on the plus strand (G>T on the coding strand, the complement: PTCH1 is on the minus strand). VCF-style: chr9-95468899-C-A. GRCh37 (hg19) VCF-style: chr9-98231181-C-A.
Other names: c.1904G>T, p.Ser635Ile (NM_001083602.3); c.2099G>T, p.Ser700Ile (NM_001083603.3); c.1649G>T, p.Ser550Ile (NM_001083604.3, NM_001083605.3, NM_001083606.3 and 1 more transcripts); c.1946G>T, p.Ser649Ile (NM_001354918.2); short protein forms S701I, S635I, S550I, S649I, S700I.
Identifiers: ClinVar variation 409160 (VCV000409160.15), dbSNP rs775235892, ClinGen allele CA5138447.